The following is an entry in ClinVar:

ClinVar aggregate classification (germline): Uncertain significance (1 of 4 stars; one submission).

Conditions:
Arrhythmogenic right ventricular dysplasia 8 (ARVD8). Also called: Arrhythmogenic Right Ventricular Dysplasia/Cardiomyopathy 8; ARRHYTHMOGENIC RIGHT VENTRICULAR DYSPLASIA, FAMILIAL, 8; ARRHYTHMOGENIC RIGHT VENTRICULAR CARDIOMYOPATHY 8. Identifiers: MedGen C1843896, MONDO:0011831, OMIM 607450.
Arrhythmogenic cardiomyopathy with wooly hair and keratoderma. Also called: Dilated cardiomyopathy with woolly hair and keratoderma; Carvajal syndrome; Arrhythmogenic cardiomyopathy with woolly hair and keratoderma; PALMOPLANTAR KERATODERMA WITH LEFT VENTRICULAR CARDIOMYOPATHY AND WOOLLY HAIR. Identifiers: Orphanet 65282, MedGen C1854063, MONDO:0011581, OMIM 605676.

Allele frequency attached by ClinVar (database versions not stated): gnomAD exomes below 0.00001.
gnomAD v4.1: 1 of 1,614,136 alleles (0.000062%); highest among the groups gnomAD compares: Non-Finnish European, 0.000085%; no homozygotes.

Submission:

Labcorp Genetics (formerly Invitae), Labcorp
Classification: Uncertain significance for Arrhythmogenic cardiomyopathy with wooly hair and keratoderma; Arrhythmogenic right ventricular dysplasia 8. Last evaluated: 2022-10-13. Review status: criteria provided, single submitter. Criteria: Invitae Variant Classification Sherloc (09022015). Collection method: clinical testing. Allele origin: germline.
Comment: In summary, the available evidence is currently insufficient to determine the role of this variant in disease. Therefore, it has been classified as a Variant of Uncertain Significance. Algorithms developed to predict the effect of missense changes on protein structure and function (SIFT, PolyPhen-2, Align-GVGD) all suggest that this variant is likely to be tolerated. ClinVar contains an entry for this variant (Variation ID: 1001767). This variant has not been reported in the literature in individuals affected with DSP-related conditions. This variant is not present in population databases (gnomAD no frequency). This sequence change replaces glutamine, which is neutral and polar, with arginine, which is basic and polar, at codon 1508 of the DSP protein (p.Gln1508Arg).

NM_004415.4(DSP):c.4523A>G (p.Gln1508Arg)

Gene: DSP (desmoplakin; plus strand). Cytogenetic location: 6p24.3.
Variant type: single nucleotide variant.
Coding change: c.4523A>G on transcript NM_004415.4 (MANE Select); coding-DNA position 4523, A replaced by G.
Protein change: p.Gln1508Arg; replaces glutamine 1508 with arginine.
Molecular consequence: missense variant. On other transcripts: intron variant (2).
Genome position (GRCh38, 1-based): chr6:7,580,713, A>G. VCF-style: chr6-7580713-A-G. GRCh37 (hg19) VCF-style: chr6-7580946-A-G.
Other names: c.4050+473A>G (NM_001319034.2); c.3582+941A>G (NM_001008844.3); short protein forms Q1508R.
Identifiers: ClinVar variation 1001767 (VCV001001767.9), dbSNP rs1759404972, ClinGen allele CA362686500.